The following is an entry in ClinVar:

ClinVar aggregate classification (germline): Uncertain significance (1 of 4 stars; one submission).

Conditions:
Neuroblastoma, susceptibility to, 3. Also called: ALK-Related Neuroblastic Tumor Susceptibility. Identifiers: Orphanet 635, MedGen C2751681, MONDO:0013083, OMIM 613014.

Submission:

Labcorp Genetics (formerly Invitae), Labcorp
Classification: Uncertain significance for Neuroblastoma, susceptibility to, 3. Last evaluated: 2026-01-26. Review status: criteria provided, single submitter. Criteria: Invitae Variant Classification Sherloc (09022015). Collection method: clinical testing. Allele origin: germline.
Comment: This sequence change replaces isoleucine, which is neutral and non-polar, with leucine, which is neutral and non-polar, at codon 1088 of the ALK protein (p.Ile1088Leu). This variant is not present in population databases (gnomAD no frequency). This variant has not been reported in the literature in individuals affected with ALK-related conditions. An algorithm developed to predict the effect of missense changes on protein structure and function (PolyPhen-2) suggests that this variant is likely to be tolerated. In summary, the available evidence is currently insufficient to determine the role of this variant in disease. Therefore, it has been classified as a Variant of Uncertain Significance.

NM_004304.5(ALK):c.3262A>C (p.Ile1088Leu)

Gene: ALK (ALK receptor tyrosine kinase; minus strand). Cytogenetic location: 2p23.2.
Variant type: single nucleotide variant.
Coding change: c.3262A>C on transcript NM_004304.5 (MANE Select); coding-DNA position 3262, A replaced by C.
Protein change: p.Ile1088Leu; replaces isoleucine 1088 with leucine.
Molecular consequence: missense variant.
Genome position (GRCh38, 1-based): chr2:29,223,439, T>G on the plus strand (A>C on the coding strand, the complement: ALK is on the minus strand). VCF-style: chr2-29223439-T-G. GRCh37 (hg19) VCF-style: chr2-29446305-T-G.
Other names: c.58A>C, p.Ile20Leu (NM_001353765.2); short protein forms I20L, I1088L.
Identifiers: ClinVar variation 4736218 (VCV004736218.1).